The following is an entry in ClinVar:

ClinVar aggregate classification (germline): Uncertain significance (1 of 4 stars; one submission).

Submission:

Greenwood Genetic Center Diagnostic Laboratories, Greenwood Genetic Center
Classification: Uncertain significance. Last evaluated: 2021-12-20. Review status: criteria provided, single submitter. Criteria: ACMG Guidelines, 2015. Collection method: clinical testing. Allele origin: germline. Affected: yes.
Comment: BP4, PM2

NM_032217.5(ANKRD17):c.1083G>A (p.Glu361=)

Gene: ANKRD17 (ankyrin repeat domain 17; minus strand). Cytogenetic location: 4q13.3.
Variant type: single nucleotide variant.
Coding change: c.1083G>A on transcript NM_032217.5 (MANE Select); coding-DNA position 1083, G replaced by A.
Protein change: p.Glu361=; no amino-acid change (glutamic acid 361 retained).
Molecular consequence: synonymous variant.
Genome position (GRCh38, 1-based): chr4:73,154,031, C>T on the plus strand (G>A on the coding strand, the complement: ANKRD17 is on the minus strand). VCF-style: chr4-73154031-C-T. GRCh37 (hg19) VCF-style: chr4-74019748-C-T.
Other names: c.744G>A, p.Glu248= (NM_001286771.3); c.1083G>A, p.Glu361= (NM_015574.2, NM_198889.3).
Identifiers: ClinVar variation 1334716 (VCV001334716.4), dbSNP rs2148878942, ClinGen allele CA439803469.